The following is an entry in ClinVar:

NM_002435.3(MPI):c.715del (p.Leu239fs)

Gene: MPI (mannose phosphate isomerase; plus strand). Cytogenetic location: 15q24.1.
Variant type: Deletion.
Coding change: c.715del on transcript NM_002435.3 (MANE Select); coding-DNA position 715, one base deleted (C; older notation c.715delC).
Protein change: p.Leu239fs; shifts the reading frame from leucine 239.
Molecular consequence: frameshift variant.
Genome position (GRCh38, 1-based): chr15:74,896,196, C deleted. VCF-style (leftmost placement, unchanged base first): chr15-74896195-GC-G. GRCh37 (hg19) VCF-style: chr15-75188536-GC-G.
Other names: c.715del, p.Leu239fs (NM_001289155.2); c.565del, p.Leu189fs (NM_001289156.2); c.532del, p.Leu178fs (NM_001289157.2); c.655del, p.Leu219fs (NM_001330372.2); short protein forms L178fs, L189fs, L219fs, L239fs.
Identifiers: ClinVar variation 4815043 (VCV004815043.1).
Genomic context (GRCh38, chr15:74,896,195, plus strand): 5'-TGCTCTGTGACCCTCAGCGGCTGCCGGAAACAACATGGAGGACATCTTTGGGGAGCTTTT[GC>G]TACAGCTGCACCAGCAGTACCCAGGTGATATCGGCTGCTTTGCCATCTACTTCCTGAACC-3'

ClinVar aggregate classification (germline): Likely pathogenic (1 of 4 stars; one submission).

Conditions:
MPI-congenital disorder of glycosylation. Also called: CONGENITAL DISORDER OF GLYCOSYLATION, TYPE Ib; CDG Ib; MANNOSEPHOSPHATE ISOMERASE DEFICIENCY; PROTEIN-LOSING ENTEROPATHY-HEPATIC FIBROSIS SYNDROME; MPI-CDG; MPI DEFICIENCY. Identifiers: Orphanet 79319, MedGen C1865145, MONDO:0011257, OMIM 602579.

Submission:

Natera, Inc.
Classification: Likely pathogenic for Congenital disorder of glycosylation type 1b. Last evaluated: 2025-06-16. Review status: criteria provided, single submitter. Criteria: Natera Variant Classification Schema (03/2026). Collection method: clinical testing. Allele origin: germline.
Comment: The c.715del variant in MPI is a frameshift variant predicted to shift the reading frame beginning at codon 239 and leads to a stop codon 19 codons downstream. This variant is expected to result in nonsense mediated decay, truncation, or a dysfunctional protein product. This variant is rare in the general population with a frequency below the threshold expected for the associated phenotype(s). Given the available evidence, this variant is classified as Likely Pathogenic.